The following is an entry in ClinVar:

ClinVar aggregate classification (germline): Conflicting classifications of pathogenicity. Review status: criteria provided, conflicting classifications (1 of 4 stars). 12 submissions from 12 submitters: Uncertain significance (1); Likely benign (7). 4 of the submissions do not count toward it. Last evaluated 2026-01-28.

Conditions:
Ehlers-Danlos syndrome, classic type, 1 (EDSCL1). Also called: EHLERS-DANLOS SYNDROME, GRAVIS TYPE; EHLERS-DANLOS SYNDROME, SEVERE CLASSIC TYPE; Ehlers-Danlos syndrome, type 1; Ehlers-Danlos Syndrome, Classic Type, COL5A1-Related; EDS I. Identifiers: MedGen C0268335, MONDO:0019567, OMIM 130000.
COL5A2-related disorder. Also called: COL5A2-related condition.
Familial thoracic aortic aneurysm and aortic dissection (TAAD). Also called: Thoracic aortic aneurysms and dissections. Identifiers: Orphanet 91387, MedGen C4707243, MONDO:0019625.
Ehlers-Danlos syndrome, classic type, 2 (EDSCL2). Also called: Ehlers-Danlos syndrome type 2 (formerly); Ehlers-Danlos syndrome, type 2; Ehlers-Danlos Syndrome, Classic Type, COL5A2-Related. Identifiers: Orphanet 287, Orphanet 90318, MedGen C0268336, MONDO:0019568, OMIM 130010.

Allele frequency attached by ClinVar (database versions not stated): ExAC 0.00034; gnomAD exomes 0.00036 and 0.00044; 1000 Genomes Project 0.00040; TOPMed 0.00040; gnomAD 0.00041 and 0.00042; 1000 Genomes Project 30x 0.00047; ESP Exome Variant Server 0.00062.
gnomAD v4.1: 700 of 1,613,974 alleles (0.043%); highest among the groups gnomAD compares: Non-Finnish European, 0.053%; no homozygotes.

Submissions (12):

Labcorp Genetics (formerly Invitae), Labcorp
Classification: Likely benign for Ehlers-Danlos syndrome, classic type, 1. Last evaluated: 2026-01-28. Review status: criteria provided, single submitter. Criteria: Invitae Variant Classification Sherloc (09022015). Collection method: clinical testing. Allele origin: germline.

Mayo Clinic Laboratories, Mayo Clinic
Classification: Likely benign. Last evaluated: 2025-05-19. Review status: criteria provided, single submitter. Criteria: ACMG Guidelines, 2015. Collection method: clinical testing. Allele origin: germline. Observed: 1 variant allele.
Comment: BS1, BP4_moderate

Blueprint Genetics
Classification: Likely benign. Last evaluated: 2024-10-17. Review status: criteria provided, single submitter. Criteria: ACMG Guidelines, 2015. Collection method: clinical testing. Allele origin: germline.

Women's Health and Genetics/Laboratory Corporation of America, LabCorp
Classification: Likely benign. Last evaluated: 2023-07-21. Review status: criteria provided, single submitter. Criteria: LabCorp Variant Classification Summary - May 2015. Collection method: clinical testing. Allele origin: germline.

CeGaT Center for Human Genetics Tuebingen
Classification: Likely benign. Last evaluated: 2021-10-01. Review status: criteria provided, single submitter. Criteria: CeGaT Center For Human Genetics Tuebingen Variant Classification Criteria Version 2. Collection method: clinical testing. Allele origin: germline. Affected: yes. Observed: 1 variant allele.

ARUP Laboratories, Molecular Genetics and Genomics, ARUP Laboratories
Classification: Likely benign for Ehlers-Danlos syndrome, classic type, 2. Last evaluated: 2021-07-30. Review status: criteria provided, single submitter. Criteria: ARUP Molecular Germline Variant Investigation Process 2021. Collection method: clinical testing. Allele origin: germline.

GeneDx
Classification: Uncertain significance. Last evaluated: 2018-11-29. Review status: criteria provided, single submitter. Criteria: GeneDx Variant Classification (06012015). Collection method: clinical testing. Allele origin: germline. Affected: yes.
Comment: A variant of uncertain significance has been identified in the COL5A2 gene. The G1484S variant has not been published as pathogenic or been reported as benign to our knowledge, yet this variant has been identified independently and/or in conjunction with additional variants in other unrelated individuals referred for genetic testing at GeneDx. So far, segregation data is limited or absent for these individuals. The G1484S variant is observed in 80/126,512 (0.06%) alleles from individuals of European (non-Finnish) ancestry in large population cohorts (Lek et al., 2016). Finally, though G1484S is a non-conservative amino acid substitution, in-silico analyses, including protein predictors and evolutionary conservation, support that this variant does not alter protein structure/function.

Ambry Genetics
Classification: Likely benign for Familial thoracic aortic aneurysm and aortic dissection. Last evaluated: 2017-04-04. Review status: criteria provided, single submitter. Criteria: Ambry Variant Classification Scheme 2023. Collection method: clinical testing. Allele origin: germline.

PreventionGenetics, part of Exact Sciences
Classification: Likely benign for COL5A2-related condition. Last evaluated: 2022-04-15. Review status: no assertion criteria provided. Collection method: clinical testing. Allele origin: germline. Not counted in ClinVar's aggregate classification.
Comment: This variant is classified as likely benign based on ACMG/AMP sequence variant interpretation guidelines (Richards et al. 2015 PMID: 25741868, with internal and published modifications).

Clinical Genetics DNA and cytogenetics Diagnostics Lab, Erasmus MC, Erasmus Medical Center
Classification: Likely benign. Review status: no assertion criteria provided. Collection method: clinical testing. Allele origin: germline. Affected: yes. Study: VKGL Data-share Consensus. Not counted in ClinVar's aggregate classification.

Genome Diagnostics Laboratory, Amsterdam University Medical Center
Classification: Likely benign. Review status: no assertion criteria provided. Collection method: clinical testing. Allele origin: germline. Affected: yes. Study: VKGL Data-share Consensus. Not counted in ClinVar's aggregate classification.

Genome Diagnostics Laboratory, University Medical Center Utrecht
Classification: Likely benign. Review status: no assertion criteria provided. Collection method: clinical testing. Allele origin: germline. Affected: yes. Study: VKGL Data-share Consensus. Not counted in ClinVar's aggregate classification.

NM_000393.5(COL5A2):c.4450G>A (p.Gly1484Ser)

Gene: COL5A2 (collagen type V alpha 2 chain; minus strand). Cytogenetic location: 2q32.2.
Variant type: single nucleotide variant.
Coding change: c.4450G>A on transcript NM_000393.5 (MANE Select); coding-DNA position 4450, G replaced by A.
Protein change: p.Gly1484Ser; replaces glycine 1484 with serine.
Molecular consequence: missense variant.
Genome position (GRCh38, 1-based): chr2:189,034,120, C>T on the plus strand (G>A on the coding strand, the complement: COL5A2 is on the minus strand). VCF-style: chr2-189034120-C-T. GRCh37 (hg19) VCF-style: chr2-189898846-C-T.
Other names: p.G1484S:GGC>AGC; p.Gly1484Ser; c.4450G>A (NM_000393.4); short protein forms G1484S.
Identifiers: ClinVar variation 213086 (VCV000213086.68), dbSNP rs147420365, ClinGen allele CA319813.